The following is an entry in ClinVar:

ClinVar aggregate classification (germline): Uncertain significance. Review status: criteria provided, multiple submitters, no conflicts (2 of 4 stars). 4 submissions from 4 submitters: Uncertain significance (4). Last evaluated 2026-02-03.

Conditions:
Hereditary nonpolyposis colorectal neoplasms. Identifiers: MedGen C0009405, MeSH D003123.
Hereditary cancer-predisposing syndrome. Also called: Neoplastic Syndromes, Hereditary; Tumor predisposition; Hereditary neoplastic syndrome; Hereditary Cancer Syndrome. Identifiers: Orphanet 140162, MedGen C0027672, MeSH D009386, MONDO:0015356.

Submissions (4):

Ambry Genetics
Classification: Uncertain significance for Hereditary cancer-predisposing syndrome. Last evaluated: 2026-02-03. Review status: criteria provided, single submitter. Criteria: Ambry Variant Classification Scheme 2023. Collection method: clinical testing. Allele origin: germline.
Comment: The c.2174+3G>C intronic variant results from a G to C substitution 3 nucleotides after coding exon 12 in the PMS2 gene. This nucleotide position is poorly conserved in available vertebrate species. In silico splice site analysis predicts that this alteration will weaken the native splice donor site. Based on the available evidence, the clinical significance of this variant remains unclear.

Color Diagnostics, LLC DBA Color Health
Classification: Uncertain significance for Hereditary cancer-predisposing syndrome. Last evaluated: 2025-07-04. Review status: criteria provided, single submitter. Criteria: ACMG Guidelines, 2015. Collection method: clinical testing. Allele origin: germline.
Comment: This variant causes a G to C nucleotide substitution at the +3 position of intron 12/14 of the PMS2 gene. Splice site prediction tools predict that this variant may have a significant impact on RNA splicing. To our knowledge, RNA studies have not been reported for this variant. This variant has not been reported in individuals affected with PMS2-related disorders in the literature. This variant has not been identified in the general population by the Genome Aggregation Database (gnomAD). The available evidence is insufficient to determine the role of this variant in disease conclusively. Therefore, this variant is classified as a Variant of Uncertain Significance.

Labcorp Genetics (formerly Invitae), Labcorp
Classification: Uncertain significance for Hereditary nonpolyposis colorectal neoplasms. Last evaluated: 2024-01-31. Review status: criteria provided, single submitter. Criteria: Invitae Variant Classification Sherloc (09022015). Collection method: clinical testing. Allele origin: germline.
Comment: This sequence change falls in intron 12 of the PMS2 gene. It does not directly change the encoded amino acid sequence of the PMS2 protein. It affects a nucleotide within the consensus splice site. The frequency data for this variant in the population databases (gnomAD) is considered unreliable due to the presence of homologous sequence, such as pseudogenes or paralogs, in the genome. This variant has not been reported in the literature in individuals affected with PMS2-related conditions. ClinVar contains an entry for this variant (Variation ID: 439242). Variants that disrupt the consensus splice site are a relatively common cause of aberrant splicing (PMID: 17576681, 9536098). Studies have shown that this variant is associated with altered splicing resulting in multiple RNA products (Invitae). In summary, the available evidence is currently insufficient to determine the role of this variant in disease. Therefore, it has been classified as a Variant of Uncertain Significance.

Quest Diagnostics Nichols Institute San Juan Capistrano
Classification: Uncertain significance. Last evaluated: 2016-10-06. Review status: criteria provided, single submitter. Criteria: Quest Diagnostics criteria. Collection method: clinical testing. Allele origin: germline.

Literature cited by the submitters: PubMed 17576681 (cited by Labcorp Genetics (formerly Invitae), Labcorp); PubMed 9536098 (cited by Labcorp Genetics (formerly Invitae), Labcorp).

NM_000535.7(PMS2):c.2174+3G>C

Gene: PMS2 (PMS1 homolog 2, mismatch repair system component; minus strand). Cytogenetic location: 7p22.1.
Variant type: single nucleotide variant.
Coding change: c.2174+3G>C on transcript NM_000535.7 (MANE Select); 3 bases into the intron after coding-DNA position 2174, G replaced by C.
Molecular consequence: intron variant.
Genome position (GRCh38, 1-based): chr7:5,982,821, C>G on the plus strand (G>C on the coding strand, the complement: PMS2 is on the minus strand). VCF-style: chr7-5982821-C-G. GRCh37 (hg19) VCF-style: chr7-6022452-C-G.
Other names: c.1856+3G>C (NM_001322008.2, NM_001322007.2); c.1613+3G>C (NM_001322010.2); c.1769+3G>C (NM_001322004.2, NM_001322003.2, NM_001322009.2 and 1 more transcripts); c.1601+3G>C (NM_001322013.2); c.1241+3G>C (NM_001322012.2, NM_001322011.2); c.1865+3G>C (NM_001322015.2); c.2018+3G>C (NM_001322006.2); c.2174+3G>C (NM_001322014.2).
Identifiers: ClinVar variation 439242 (VCV000439242.17), dbSNP rs1400193171, ClinGen allele CA572545062.